The following is an entry in ClinVar:

ClinVar aggregate classification (germline): Uncertain significance. Review status: criteria provided, multiple submitters, no conflicts (2 of 4 stars). 3 submissions from 3 submitters: Uncertain significance (3). Last evaluated 2025-06-19.

Conditions:
GUCY2D-related disorder. Also called: GUCY2D-related condition.
Leber congenital amaurosis 1 (LCA1). Also called: Congenital absence of the rods and cones; Leber's congenital tapetoretinal degeneration; Leber's congenital tapetoretinal dysplasia; AMAUROSIS CONGENITA OF LEBER I; RETINAL BLINDNESS, CONGENITAL. Identifiers: Orphanet 65, MedGen C2931258, MONDO:0008764, OMIM 204000.
Cone-rod dystrophy 6 (CORD6). Also called: RETINAL CONE DYSTROPHY 2; Cone dystrophy progressive. Identifiers: Orphanet 1872, MedGen C1866293, MONDO:0011143, OMIM 601777.
Inborn genetic diseases. Identifiers: MedGen C0950123, MeSH D030342.

Allele frequency attached by ClinVar (database versions not stated): gnomAD exomes below 0.00001; gnomAD 0.00001; TOPMed 0.00002.
gnomAD v4.1: 6 of 1,613,812 alleles (0.00037%); highest among the groups gnomAD compares: Admixed American, 0.0033%; no homozygotes.

Submissions (3):

Ambry Genetics
Classification: Uncertain significance for Inborn genetic diseases. Last evaluated: 2025-06-19. Review status: criteria provided, single submitter. Criteria: Ambry Variant Classification Scheme 2023. Collection method: clinical testing. Allele origin: germline.

PreventionGenetics, part of Exact Sciences
Classification: Uncertain significance for GUCY2D-related condition. Last evaluated: 2025-04-01. Review status: criteria provided, single submitter. Criteria: ACMG Guidelines, 2015. Collection method: clinical testing. Allele origin: germline.
Comment: The GUCY2D c.1847C>T variant is predicted to result in the amino acid substitution p.Ala616Val. To our knowledge, this variant has not been reported in the literature. This variant is absent in a large population database (gnomAD), indicating this variant is rare. At this time, the clinical significance of this variant is uncertain due to the absence of conclusive functional and genetic evidence.

Labcorp Genetics (formerly Invitae), Labcorp
Classification: Uncertain significance for Leber congenital amaurosis 1; Cone-rod dystrophy 6. Last evaluated: 2022-04-06. Review status: criteria provided, single submitter. Criteria: Invitae Variant Classification Sherloc (09022015). Collection method: clinical testing. Allele origin: germline.
Comment: This sequence change replaces alanine, which is neutral and non-polar, with valine, which is neutral and non-polar, at codon 616 of the GUCY2D protein (p.Ala616Val). This variant is not present in population databases (gnomAD no frequency). This variant has not been reported in the literature in individuals affected with GUCY2D-related conditions. Algorithms developed to predict the effect of missense changes on protein structure and function (SIFT, PolyPhen-2, Align-GVGD) all suggest that this variant is likely to be disruptive. In summary, the available evidence is currently insufficient to determine the role of this variant in disease. Therefore, it has been classified as a Variant of Uncertain Significance.

NM_000180.4(GUCY2D):c.1847C>T (p.Ala616Val)

Gene: GUCY2D (guanylate cyclase 2D, retinal; plus strand). Cytogenetic location: 17p13.1.
Variant type: single nucleotide variant.
Coding change: c.1847C>T on transcript NM_000180.4 (MANE Select); coding-DNA position 1847, C replaced by T.
Protein change: p.Ala616Val; replaces alanine 616 with valine.
Molecular consequence: missense variant.
Genome position (GRCh38, 1-based): chr17:8,012,241, C>T. VCF-style: chr17-8012241-C-T. GRCh37 (hg19) VCF-style: chr17-7915559-C-T.
Other names: c.1847C>T (NM_000180.3); short protein forms A616V.
Identifiers: ClinVar variation 1980300 (VCV001980300.3), dbSNP rs1257463885, ClinGen allele CA397951531.